The following is an entry in ClinVar:

ClinVar aggregate classification (germline): Uncertain significance (1 of 4 stars; one submission).

Conditions:
Primary ciliary dyskinesia. Also called: Ciliary dyskinesia. Identifiers: Orphanet 244, MedGen C0008780, MONDO:0016575, HP:0012265.

Allele frequency attached by ClinVar (database versions not stated): gnomAD exomes below 0.00001.
gnomAD v4.1: 1 of 1,610,438 alleles (0.000062%); highest among the groups gnomAD compares: Non-Finnish European, 0.000085%; no homozygotes.

Submission:

Labcorp Genetics (formerly Invitae), Labcorp
Classification: Uncertain significance for Primary ciliary dyskinesia. Last evaluated: 2021-09-17. Review status: criteria provided, single submitter. Criteria: Invitae Variant Classification Sherloc (09022015). Collection method: clinical testing. Allele origin: germline.
Comment: This sequence change replaces proline with leucine at codon 4451 of the DNAH8 protein (p.Pro4451Leu). The proline residue is moderately conserved and there is a moderate physicochemical difference between proline and leucine. This variant is not present in population databases (ExAC no frequency). This variant has not been reported in the literature in individuals affected with DNAH8-related conditions. Algorithms developed to predict the effect of missense changes on protein structure and function output the following: SIFT: "Deleterious"; PolyPhen-2: "Not Available"; Align-GVGD: "Class C0". The leucine amino acid residue is found in multiple mammalian species, which suggests that this missense change does not adversely affect protein function. In summary, the available evidence is currently insufficient to determine the role of this variant in disease. Therefore, it has been classified as a Variant of Uncertain Significance.

NM_001206927.2(DNAH8):c.13352C>T (p.Pro4451Leu)

Gene: DNAH8 (dynein axonemal heavy chain 8; plus strand). Cytogenetic location: 6p21.2.
Variant type: single nucleotide variant.
Coding change: c.13352C>T on transcript NM_001206927.2 (MANE Select); coding-DNA position 13352, C replaced by T.
Protein change: p.Pro4451Leu; replaces proline 4451 with leucine.
Molecular consequence: missense variant.
Genome position (GRCh38, 1-based): chr6:39,008,951, C>T. VCF-style: chr6-39008951-C-T. GRCh37 (hg19) VCF-style: chr6-38976727-C-T.
Other names: c.12701C>T, p.Pro4234Leu (NM_001371.4); short protein forms P4234L, P4451L.
Identifiers: ClinVar variation 1382849 (VCV001382849.3), dbSNP rs1173362541, ClinGen allele CA364020600.